The following is an entry in ClinVar:

NM_000875.5(IGF1R):c.1633G>A (p.Gly545Ser)

Gene: IGF1R (insulin like growth factor 1 receptor; plus strand). Cytogenetic location: 15q26.3.
Variant type: single nucleotide variant.
Coding change: c.1633G>A on transcript NM_000875.5 (MANE Select); coding-DNA position 1633, G replaced by A.
Protein change: p.Gly545Ser; replaces glycine 545 with serine.
Molecular consequence: missense variant.
Genome position (GRCh38, 1-based): chr15:98,913,087, G>A. VCF-style: chr15-98913087-G-A. GRCh37 (hg19) VCF-style: chr15-99456316-G-A.
Other names: c.1633G>A, p.Gly545Ser (NM_001291858.2); short protein forms G545S.
Identifiers: ClinVar variation 4706164 (VCV004706164.1).
Genomic context (GRCh38, chr15:98,913,087, plus strand): 5'-ACTTAATTGTCTTTCAGACCCTTTAAGAATGTCACAGAGTATGATGGGCAGGATGCCTGC[G>A]GCTCCAACAGCTGGAACATGGTGGACGTGGACCTCCCGCCCAACAAGGACGTGGAGCCCG-3'
Protein context (NP_000866.1, residues 535-555): VTEYDGQDAC[Gly545Ser]SNSWNMVDVD

ClinVar aggregate classification (germline): Uncertain significance (1 of 4 stars; one submission).

gnomAD v4.1: 126 of 1,614,036 alleles (0.0078%); highest among the groups gnomAD compares: Non-Finnish European, 0.0099%; no homozygotes.

Submission:

Labcorp Genetics (formerly Invitae), Labcorp
Classification: Uncertain significance. Last evaluated: 2025-10-20. Review status: criteria provided, single submitter. Criteria: Invitae Variant Classification Sherloc (09022015). Collection method: clinical testing. Allele origin: germline.
Comment: This sequence change replaces glycine, which is neutral and non-polar, with serine, which is neutral and polar, at codon 545 of the IGF1R protein (p.Gly545Ser). This variant is present in population databases (rs376022845, gnomAD 0.006%). This variant has not been reported in the literature in individuals affected with IGF1R-related conditions. Invitae Evidence Modeling of protein sequence and biophysical properties (such as structural, functional, and spatial information, amino acid conservation, physicochemical variation, residue mobility, and thermodynamic stability) indicates that this missense variant is not expected to disrupt IGF1R protein function with a negative predictive value of 80%. In summary, the available evidence is currently insufficient to determine the role of this variant in disease. Therefore, it has been classified as a Variant of Uncertain Significance.